The following is an entry in ClinVar:

NM_016042.4(EXOSC3):c.3G>A (p.Met1Ile)

Gene: EXOSC3 (exosome component 3; minus strand). Cytogenetic location: 9p13.2.
Variant type: single nucleotide variant.
Coding change: c.3G>A on transcript NM_016042.4 (MANE Select); coding-DNA position 3, G replaced by A.
Protein change: p.Met1Ile; changes the start codon (methionine 1).
Molecular consequence: missense variant, initiator codon variant.
Genome position (GRCh38, 1-based): chr9:37,785,042, C>T on the plus strand (G>A on the coding strand, the complement: EXOSC3 is on the minus strand). VCF-style: chr9-37785042-C-T. GRCh37 (hg19) VCF-style: chr9-37785039-C-T.
Other names: c.3G>A, p.Met1Ile (NM_001002269.2); short protein forms M1I.
Identifiers: ClinVar variation 3016443 (VCV003016443.4), dbSNP rs1198691735, ClinGen allele CA373476226.

ClinVar aggregate classification (germline): Pathogenic (1 of 4 stars; one submission).

Conditions:
Pontocerebellar hypoplasia type 1B. Also called: EXOSC3 Pontocerebellar Hypoplasia. Identifiers: Orphanet 2254, MedGen C3553449, MONDO:0013853, OMIM 614678.

Allele frequency attached by ClinVar (database versions not stated): TOPMed below 0.00001; gnomAD 0.00001.

Submission:

Labcorp Genetics (formerly Invitae), Labcorp
Classification: Pathogenic for Pontocerebellar hypoplasia type 1B. Last evaluated: 2023-01-18. Review status: criteria provided, single submitter. Criteria: Invitae Variant Classification Sherloc (09022015). Collection method: clinical testing. Allele origin: germline.
Comment: This sequence change affects the initiator methionine of the EXOSC3 mRNA. The next in-frame methionine is located at codon 174. For these reasons, this variant has been classified as Pathogenic. This variant disrupts a region of the EXOSC3 protein in which other variant(s) (p.Asp132Ala) have been determined to be pathogenic (PMID: 22544365, 23975261, 24524299, 25533962). This suggests that this is a clinically significant region of the protein, and that variants that disrupt it are likely to be disease-causing. Disruption of the initiator codon has been observed in individual(s) with pontocerebellar hypoplasia (PMID: 23284067, 31980526). This variant is not present in population databases (gnomAD no frequency).

Literature cited by the submitters: PubMed 22544365; PubMed 23975261; PubMed 24524299; PubMed 25533962; PubMed 23284067; PubMed 31980526.